The following is an entry in ClinVar:

NM_002907.4(RECQL):c.1216+2T>C

Gene: RECQL (RecQ like helicase; minus strand). Cytogenetic location: 12p12.1.
Variant type: single nucleotide variant.
Coding change: c.1216+2T>C on transcript NM_002907.4 (MANE Select); the canonical splice donor site of the intron after coding-DNA position 1216, T replaced by C.
Molecular consequence: splice donor variant.
Genome position (GRCh38, 1-based): chr12:21,475,466, A>G on the plus strand (T>C on the coding strand, the complement: RECQL is on the minus strand). VCF-style: chr12-21475466-A-G. GRCh37 (hg19) VCF-style: chr12-21628400-A-G.
Other names: c.1216+2T>C (NM_032941.3).
Identifiers: ClinVar variation 1036713 (VCV001036713.7), dbSNP rs112762645, ClinGen allele CA233569209.

ClinVar aggregate classification (germline): Uncertain significance (1 of 4 stars; one submission).

Submission:

Labcorp Genetics (formerly Invitae), Labcorp
Classification: Uncertain significance. Last evaluated: 2020-07-07. Review status: criteria provided, single submitter. Criteria: Invitae Variant Classification Sherloc (09022015). Collection method: clinical testing. Allele origin: germline.
Comment: In summary, the available evidence is currently insufficient to determine the role of this variant in disease. Therefore, it has been classified as a Variant of Uncertain Significance. The current clinical and genetic evidence is not sufficient to establish whether loss-of-function variants in RECQL cause disease. This sequence change affects a donor splice site in intron 10 of the RECQL gene. It is expected to disrupt RNA splicing and likely results in an absent or disrupted protein product. This variant is not present in population databases (ExAC no frequency). This variant has not been reported in the literature in individuals with RECQL-related conditions. Algorithms developed to predict the effect of sequence changes on RNA splicing suggest that this variant may disrupt the consensus splice site, but this prediction has not been confirmed by published transcriptional studies.